The following is an entry in ClinVar:

NM_003068.5(SNAI2):c.94T>A (p.Tyr32Asn)

Gene: SNAI2 (snail family transcriptional repressor 2; minus strand). Cytogenetic location: 8q11.21.
Variant type: single nucleotide variant.
Coding change: c.94T>A on transcript NM_003068.5 (MANE Select); coding-DNA position 94, T replaced by A.
Protein change: p.Tyr32Asn; replaces tyrosine 32 with asparagine.
Molecular consequence: missense variant.
Genome position (GRCh38, 1-based): chr8:48,920,427, A>T on the plus strand (T>A on the coding strand, the complement: SNAI2 is on the minus strand). VCF-style: chr8-48920427-A-T. GRCh37 (hg19) VCF-style: chr8-49832986-A-T.
Other names: short protein forms Y32N.
Identifiers: ClinVar variation 3626749 (VCV003626749.2).

ClinVar aggregate classification (germline): Uncertain significance (1 of 4 stars; one submission).

gnomAD v4.1: 9 of 1,613,962 alleles (0.00056%); highest among the groups gnomAD compares: Non-Finnish European, 0.00076%; no homozygotes.

Submission:

Labcorp Genetics (formerly Invitae), Labcorp
Classification: Uncertain significance. Last evaluated: 2024-09-27. Review status: criteria provided, single submitter. Criteria: Invitae Variant Classification Sherloc (09022015). Collection method: clinical testing. Allele origin: germline.
Comment: This sequence change replaces tyrosine, which is neutral and polar, with asparagine, which is neutral and polar, at codon 32 of the SNAI2 protein (p.Tyr32Asn). This variant is not present in population databases (gnomAD no frequency). This variant has not been reported in the literature in individuals affected with SNAI2-related conditions. An algorithm developed to predict the effect of missense changes on protein structure and function (PolyPhen-2) suggests that this variant is likely to be tolerated. In summary, the available evidence is currently insufficient to determine the role of this variant in disease. Therefore, it has been classified as a Variant of Uncertain Significance.